The following is an entry in ClinVar:

ClinVar aggregate classification (germline): Uncertain significance (1 of 4 stars; one submission).

Submission:

GeneDx
Classification: Uncertain significance. Last evaluated: 2022-04-01. Review status: criteria provided, single submitter. Criteria: GeneDx Variant Classification Process June 2021. Collection method: clinical testing. Allele origin: germline. Affected: yes.
Comment: Not observed at significant frequency in large population cohorts (gnomAD); In silico analysis supports that this missense variant has a deleterious effect on protein structure/function; Has not been previously published as pathogenic or benign to our knowledge

NM_015557.3(CHD5):c.1564C>A (p.His522Asn)

Gene: CHD5 (chromodomain helicase DNA binding protein 5; minus strand). Cytogenetic location: 1p36.31.
Variant type: single nucleotide variant.
Coding change: c.1564C>A on transcript NM_015557.3 (MANE Select); coding-DNA position 1564, C replaced by A.
Protein change: p.His522Asn; replaces histidine 522 with asparagine.
Molecular consequence: missense variant.
Genome position (GRCh38, 1-based): chr1:6,146,691, G>T on the plus strand (C>A on the coding strand, the complement: CHD5 is on the minus strand). VCF-style: chr1-6146691-G-T. GRCh37 (hg19) VCF-style: chr1-6206751-G-T.
Other names: short protein forms H522N.
Identifiers: ClinVar variation 1707815 (VCV001707815.2), dbSNP rs2525419516, ClinGen allele CA338083204.
Genomic context (GRCh38, chr1:6,146,691, plus strand): 5'-GGGCCTTAGCACAGCCACCCTCCCGGGCACTCACCTGTAGCTCCTTCACCCAGGAGCAAT[G>T]CCAGTAGGACAGCCCTGCCCACTTGACAAAGAACTCTCTCTCAGGGATGCCCTCCAGGGG-3'
Protein context (NP_056372.1, residues 512-532): FVKWAGLSYW[His522Asn]CSWVKELQLE